The following is an entry in ClinVar:

ClinVar aggregate classification (germline): Uncertain significance (1 of 4 stars; one submission).

Submission:

Labcorp Genetics (formerly Invitae), Labcorp
Classification: Uncertain significance. Last evaluated: 2021-08-26. Review status: criteria provided, single submitter. Criteria: Invitae Variant Classification Sherloc (09022015). Collection method: clinical testing. Allele origin: germline.
Comment: This sequence change replaces arginine with glycine at codon 90 of the CIB1 protein (p.Arg90Gly). The arginine residue is weakly conserved and there is a moderate physicochemical difference between arginine and glycine. This variant is present in population databases (rs572714028, ExAC 0.005%). This variant has not been reported in the literature in individuals affected with CIB1-related conditions. Algorithms developed to predict the effect of missense changes on protein structure and function are either unavailable or do not agree on the potential impact of this missense change (SIFT: "Tolerated"; PolyPhen-2: "Not Available"; Align-GVGD: "Class C0"). In summary, the available evidence is currently insufficient to determine the role of this variant in disease. Therefore, it has been classified as a Variant of Uncertain Significance.

NM_006384.4(CIB1):c.148C>G (p.Arg50Gly)

Gene: CIB1 (calcium and integrin binding 1; minus strand). Cytogenetic location: 15q26.1.
Variant type: single nucleotide variant.
Coding change: c.148C>G on transcript NM_006384.4 (MANE Select); coding-DNA position 148, C replaced by G.
Protein change: p.Arg50Gly; replaces arginine 50 with glycine.
Molecular consequence: missense variant. On other transcripts: non-coding transcript variant (2).
Genome position (GRCh38, 1-based): chr15:90,232,266, G>C on the plus strand (C>G on the coding strand, the complement: CIB1 is on the minus strand). VCF-style: chr15-90232266-G-C. GRCh37 (hg19) VCF-style: chr15-90775498-G-C.
Other names: c.268C>G, p.Arg90Gly (NM_001277764.2); short protein forms R50G, R90G.
Identifiers: ClinVar variation 1489276 (VCV001489276.5), dbSNP rs572714028, ClinGen allele CA7734301.